The following is an entry in ClinVar:

ClinVar aggregate classification (germline): Uncertain significance (1 of 4 stars; one submission).

Submission:

GeneDx
Classification: Uncertain significance. Last evaluated: 2024-08-30. Review status: criteria provided, single submitter. Criteria: GeneDx Variant Classification Process June 2021. Collection method: clinical testing. Allele origin: germline. Affected: yes.
Comment: Not observed at significant frequency in large population cohorts (gnomAD); In silico analysis supports that this missense variant has a deleterious effect on protein structure/function; Has not been previously published as pathogenic or benign to our knowledge

NM_001042681.2(RERE):c.3353C>G (p.Pro1118Arg)

Gene: RERE (arginine-glutamic acid dipeptide repeats; minus strand). Cytogenetic location: 1p36.23.
Variant type: single nucleotide variant.
Coding change: c.3353C>G on transcript NM_001042681.2 (MANE Select); coding-DNA position 3353, C replaced by G.
Protein change: p.Pro1118Arg; replaces proline 1118 with arginine.
Molecular consequence: missense variant.
Genome position (GRCh38, 1-based): chr1:8,360,154, G>C on the plus strand (C>G on the coding strand, the complement: RERE is on the minus strand). VCF-style: chr1-8360154-G-C. GRCh37 (hg19) VCF-style: chr1-8420214-G-C.
Other names: c.1691C>G, p.Pro564Arg (NM_001042682.2); c.3353C>G, p.Pro1118Arg (NM_012102.4); short protein forms P1118R, P564R.
Identifiers: ClinVar variation 3765984 (VCV003765984.1).